The following is an entry in ClinVar:

ClinVar aggregate classification (germline): Uncertain significance (1 of 4 stars; one submission).

Conditions:
Birt-Hogg-Dube syndrome. Also called: Birt Hogg Dubé syndrome. Identifiers: Orphanet 122, MedGen C0346010, MONDO:0800444.

Allele frequency attached by ClinVar (database versions not stated): gnomAD exomes below 0.00001.
gnomAD v4.1: 3 of 1,613,828 alleles (0.00019%); highest among the groups gnomAD compares: Non-Finnish European, 0.00025%; no homozygotes.

Submission:

Labcorp Genetics (formerly Invitae), Labcorp
Classification: Uncertain significance for Birt-Hogg-Dube syndrome. Last evaluated: 2022-08-23. Review status: criteria provided, single submitter. Criteria: Invitae Variant Classification Sherloc (09022015). Collection method: clinical testing. Allele origin: germline.
Comment: In summary, the available evidence is currently insufficient to determine the role of this variant in disease. Therefore, it has been classified as a Variant of Uncertain Significance. Algorithms developed to predict the effect of missense changes on protein structure and function (SIFT, PolyPhen-2, Align-GVGD) all suggest that this variant is likely to be disruptive. ClinVar contains an entry for this variant (Variation ID: 1016274). This variant has not been reported in the literature in individuals affected with FLCN-related conditions. This variant is not present in population databases (gnomAD no frequency). This sequence change replaces tyrosine, which is neutral and polar, with cysteine, which is neutral and slightly polar, at codon 409 of the FLCN protein (p.Tyr409Cys).

NM_144997.7(FLCN):c.1226A>G (p.Tyr409Cys)

Gene: FLCN (folliculin; minus strand). Cytogenetic location: 17p11.2.
Variant type: single nucleotide variant.
Coding change: c.1226A>G on transcript NM_144997.7 (MANE Select); coding-DNA position 1226, A replaced by G.
Protein change: p.Tyr409Cys; replaces tyrosine 409 with cysteine.
Molecular consequence: missense variant.
Genome position (GRCh38, 1-based): chr17:17,216,454, T>C on the plus strand (A>G on the coding strand, the complement: FLCN is on the minus strand). VCF-style: chr17-17216454-T-C. GRCh37 (hg19) VCF-style: chr17-17119768-T-C.
Other names: c.1280A>G, p.Tyr427Cys (NM_001353229.2); c.1226A>G, p.Tyr409Cys (NM_001353230.2, NM_001353231.2); short protein forms Y409C, Y427C.
Identifiers: ClinVar variation 1016274 (VCV001016274.5), dbSNP rs2046925964, ClinGen allele CA398531843.